The following is an entry in ClinVar:

ClinVar aggregate classification (germline): Uncertain significance (1 of 4 stars; one submission).

Conditions:
Alzheimer disease 4 (AD4). Identifiers: Orphanet 1020, MedGen C1847200, MONDO:0011743, OMIM 606889.

Submission:

Victorian Clinical Genetics Services, Murdoch Childrens Research Institute
Classification: Uncertain significance for Alzheimer disease 4. Last evaluated: 2023-07-17. Review status: criteria provided, single submitter. Criteria: ACMG Guidelines, 2015. Collection method: clinical testing. Allele origin: germline. Inheritance: Autosomal dominant inheritance. Affected: yes.
Comment: Based on the classification scheme VCGS_Germline_v1.3.4, this variant is classified as VUS-3B. Following criteria are met: 0101 - Toxic gain of function is a likely mechanism of disease in this gene and is associated with Alzheimer disease-4 (MIM#606889), where missense variants in transfected HEK293 cells showed higher Ab42/Ab40 and Ab42 levels relative to the wild-type. Cardiomyopathy, dilated, 1V (MIM#613697) does not have an established gene-disease association (PMID: 35491795). (I) 0107 - This gene is associated with autosomal dominant disease. (I) 0200 - Variant is predicted to result in a missense amino acid change from alanine to threonine. (I) 0251 - This variant is heterozygous. (I) 0301 - Variant is absent from gnomAD (both v2 and v3). (SP) 0502 - Missense variant with conflicting in silico predictions and uninformative conservation. (I) 0604 - Variant is not located in an established domain, motif, hotspot or informative constraint region. (I) 0705 - No comparable missense variants have previous evidence for pathogenicity. (I) 0807 - This variant has no previous evidence of pathogenicity. (I) 0905 - No published segregation evidence has been identified for this variant. (I) 1007 - No published functional evidence has been identified for this variant. (I) 1208 - Inheritance information for this variant is not currently available in this individual. (I) Legend: (SP) - Supporting pathogenic, (I) - Information, (SB) - Supporting benign

Literature cited by the submitters: PubMed 35491795.

NM_000447.3(PSEN2):c.16G>A (p.Ala6Thr)

Gene: PSEN2 (presenilin 2; plus strand). Cytogenetic location: 1q42.13.
Variant type: single nucleotide variant.
Coding change: c.16G>A on transcript NM_000447.3 (MANE Select); coding-DNA position 16, G replaced by A.
Protein change: p.Ala6Thr; replaces alanine 6 with threonine.
Molecular consequence: missense variant.
Genome position (GRCh38, 1-based): chr1:226,881,923, G>A. VCF-style: chr1-226881923-G-A. GRCh37 (hg19) VCF-style: chr1-227069624-G-A.
Other names: c.16G>A, p.Ala6Thr (NM_012486.3); short protein forms A6T.
Identifiers: ClinVar variation 3254878 (VCV003254878.1), dbSNP rs2527941619.